The following is an entry in ClinVar:

NM_004637.6(RAB7A):c.529-2154C>G

Gene: RAB7A (RAB7A, member RAS oncogene family; plus strand). Cytogenetic location: 3q21.3.
Variant type: single nucleotide variant.
Coding change: c.529-2154C>G on transcript NM_004637.6 (MANE Select); 2154 bases into the intron before coding-DNA position 529, C replaced by G.
Molecular consequence: intron variant.
Genome position (GRCh38, 1-based): chr3:128,811,173, C>G. VCF-style: chr3-128811173-C-G. GRCh37 (hg19) VCF-style: chr3-128530016-C-G.
Identifiers: ClinVar variation 2654111 (VCV002654111.24), dbSNP rs537244100, ClinGen allele CA82634383.

ClinVar aggregate classification (germline): Benign (1 of 4 stars; one submission).

Allele frequency attached by ClinVar (database versions not stated): 1000 Genomes Project 30x 0.00047; TOPMed 0.00062; gnomAD 0.00073.
gnomAD v4.1: 109 of 151,884 alleles (0.072%); highest among the groups gnomAD compares: Non-Finnish European, 0.13%; 1 homozygote.

Submission:

CeGaT Center for Human Genetics Tuebingen
Classification: Benign. Last evaluated: 2022-08-01. Review status: criteria provided, single submitter. Criteria: CeGaT Center For Human Genetics Tuebingen Variant Classification Criteria Version 2. Collection method: clinical testing. Allele origin: germline. Affected: yes. Observed: 1 variant allele.
Comment: RAB7A: BS1, BS2